The following is an entry in ClinVar:

NM_032638.5(GATA2):c.1021G>C (p.Ala341Pro)

Gene: GATA2 (GATA binding protein 2; minus strand). Cytogenetic location: 3q21.3.
Variant type: single nucleotide variant.
Coding change: c.1021G>C on transcript NM_032638.5 (MANE Select); coding-DNA position 1021, G replaced by C.
Protein change: p.Ala341Pro; replaces alanine 341 with proline.
Molecular consequence: missense variant. On other transcripts: intron variant (1).
Genome position (GRCh38, 1-based): chr3:128,481,941, C>G on the plus strand (G>C on the coding strand, the complement: GATA2 is on the minus strand). VCF-style: chr3-128481941-C-G. GRCh37 (hg19) VCF-style: chr3-128200784-C-G.
Other names: c.1021G>C, p.Ala341Pro (NM_001145661.2); c.1018-39G>C (NM_001145662.1); short protein forms A341P.
Identifiers: ClinVar variation 1184024 (VCV001184024.1), dbSNP rs2068635788, ClinGen allele CA354413707.

ClinVar aggregate classification (germline): Uncertain significance (1 of 4 stars; one submission).

Conditions:
Deafness-lymphedema-leukemia syndrome. Also called: Emberger syndrome; Lymphedema, primary, with myelodysplasia. Identifiers: Orphanet 3226, MedGen C3279664, MONDO:0013540, OMIM 614038.
GATA2 deficiency with susceptibility to MDS/AML. Identifiers: MedGen CN300066, MONDO:0042982.

Allele frequency attached by ClinVar (database versions not stated): gnomAD exomes 0.00001.
gnomAD v4.1: 8 of 1,613,416 alleles (0.0005%); highest among the groups gnomAD compares: Non-Finnish European, 0.00068%; no homozygotes.

Submission:

Molecular Pathology Research Laboratory, SA Pathology
Classification: Uncertain significance for GATA2 deficiency with susceptibility to MDS/AML; Deafness-lymphedema-leukemia syndrome. Last evaluated: 2021-07-06. Review status: criteria provided, single submitter. Criteria: ACMG Guidelines, 2015. Collection method: curation. Allele origin: unknown. Inheritance: Autosomal dominant inheritance. Affected: yes. Observed: 1 variant allele.
Comment: PS4_Supporting, PM2, PP3

Literature cited by the submitters: PubMed 30578959.